The following is an entry in ClinVar:

NM_001330700.2(TOP2B):c.4645G>A (p.Ala1549Thr)

Gene: TOP2B (DNA topoisomerase II beta; minus strand). Cytogenetic location: 3p24.2.
Variant type: single nucleotide variant.
Coding change: c.4645G>A on transcript NM_001330700.2 (MANE Select); coding-DNA position 4645, G replaced by A.
Protein change: p.Ala1549Thr; replaces alanine 1549 with threonine.
Molecular consequence: missense variant.
Genome position (GRCh38, 1-based): chr3:25,599,500, C>T on the plus strand (G>A on the coding strand, the complement: TOP2B is on the minus strand). VCF-style: chr3-25599500-C-T. GRCh37 (hg19) VCF-style: chr3-25640991-C-T.
Other names: c.4630G>A, p.Ala1544Thr (NM_001068.3); short protein forms A1549T, A1544T.
Identifiers: ClinVar variation 3668054 (VCV003668054.2).

ClinVar aggregate classification (germline): Uncertain significance (1 of 4 stars; one submission).

gnomAD v4.1: 1 of 1,613,460 alleles (0.000062%); highest among the groups gnomAD compares: Non-Finnish European, 0.000085%; no homozygotes.

Submission:

Labcorp Genetics (formerly Invitae), Labcorp
Classification: Uncertain significance. Last evaluated: 2024-04-18. Review status: criteria provided, single submitter. Criteria: Invitae Variant Classification Sherloc (09022015). Collection method: clinical testing. Allele origin: germline.
Comment: This sequence change replaces alanine, which is neutral and non-polar, with threonine, which is neutral and polar, at codon 1544 of the TOP2B protein (p.Ala1544Thr). This variant is present in population databases (rs748760684, gnomAD 0.02%). This variant has not been reported in the literature in individuals affected with TOP2B-related conditions. Algorithms developed to predict the effect of missense changes on protein structure and function output the following: SIFT: "Not Available"; PolyPhen-2: "Benign"; Align-GVGD: "Not Available". The threonine amino acid residue is found in multiple mammalian species, which suggests that this missense change does not adversely affect protein function. In summary, the available evidence is currently insufficient to determine the role of this variant in disease. Therefore, it has been classified as a Variant of Uncertain Significance.